The following is an entry in ClinVar:

ClinVar aggregate classification (germline): Uncertain significance. Review status: criteria provided, multiple submitters, no conflicts (2 of 4 stars). 2 submissions from 2 submitters: Uncertain significance (2). Last evaluated 2024-05-02.

Conditions:
Hearing impairment. Also called: Impaired Hearing. Identifiers: MedGen C1384666, MONDO:0005365, HP:0000365.

Allele frequency attached by ClinVar (database versions not stated): gnomAD exomes 0.00001; gnomAD 0.00002 and 0.00003; TOPMed 0.00002.
gnomAD v4.1: 14 of 1,613,556 alleles (0.00087%); highest among the groups gnomAD compares: African/African-American, 0.0027%; no homozygotes.

Submissions (2):

Labcorp Genetics (formerly Invitae), Labcorp
Classification: Uncertain significance. Last evaluated: 2024-05-02. Review status: criteria provided, single submitter. Criteria: Invitae Variant Classification Sherloc (09022015). Collection method: clinical testing. Allele origin: germline.
Comment: This sequence change replaces aspartic acid, which is acidic and polar, with asparagine, which is neutral and polar, at codon 74 of the CEACAM16 protein (p.Asp74Asn). This variant is not present in population databases (gnomAD no frequency). This variant has not been reported in the literature in individuals affected with CEACAM16-related conditions. ClinVar contains an entry for this variant (Variation ID: 1064976). Advanced modeling of protein sequence and biophysical properties (such as structural, functional, and spatial information, amino acid conservation, physicochemical variation, residue mobility, and thermodynamic stability) performed at Invitae indicates that this missense variant is not expected to disrupt CEACAM16 protein function with a negative predictive value of 80%. In summary, the available evidence is currently insufficient to determine the role of this variant in disease. Therefore, it has been classified as a Variant of Uncertain Significance.

Department of Otolaryngology – Head & Neck Surgery, Cochlear Implant Center
Classification: Uncertain significance for Hearing impairment. Last evaluated: 2021-04-12. Review status: criteria provided, single submitter. Criteria: ClinGen HL ACMG Specifications v1. Collection method: clinical testing. Allele origin: germline. Affected: yes.
Comment: PM2_Moderate, BP4_Supporting

NM_001039213.4(CEACAM16):c.220G>A (p.Asp74Asn)

Genes: CEACAM16 (CEA cell adhesion molecule 16, tectorial membrane component; plus strand), CEACAM16-AS1 (CEACAM16, CEACAM19 and PVR antisense RNA 1; minus strand). Cytogenetic location: 19q13.32.
Variant type: single nucleotide variant.
Coding change: c.220G>A on transcript NM_001039213.4 (MANE Select); coding-DNA position 220, G replaced by A.
Protein change: p.Asp74Asn; replaces aspartic acid 74 with asparagine.
Molecular consequence: missense variant.
Genome position (GRCh38, 1-based): chr19:44,703,531, G>A. VCF-style: chr19-44703531-G-A. GRCh37 (hg19) VCF-style: chr19-45206801-G-A.
Other names: short protein forms D74N.
Identifiers: ClinVar variation 1064976 (VCV001064976.5), dbSNP rs536837008, ClinGen allele CA308869829.